The following is an entry in ClinVar:

NM_001029883.3(PCARE):c.1775C>T (p.Thr592Met)

Gene: PCARE (photoreceptor cilium actin regulator; minus strand). Cytogenetic location: 2p23.2.
Variant type: single nucleotide variant.
Coding change: c.1775C>T on transcript NM_001029883.3 (MANE Select); coding-DNA position 1775, C replaced by T.
Protein change: p.Thr592Met; replaces threonine 592 with methionine.
Molecular consequence: missense variant.
Genome position (GRCh38, 1-based): chr2:29,072,487, G>A on the plus strand (C>T on the coding strand, the complement: PCARE is on the minus strand). VCF-style: chr2-29072487-G-A. GRCh37 (hg19) VCF-style: chr2-29295353-G-A.
Other names: short protein forms T592M.
Identifiers: ClinVar variation 897959 (VCV000897959.7), dbSNP rs202166083, ClinGen allele CA1592357.

ClinVar aggregate classification (germline): Conflicting classifications of pathogenicity. Review status: criteria provided, conflicting classifications (1 of 4 stars). 4 submissions from 4 submitters: Uncertain significance (3); Likely benign (1). Last evaluated 2024-01-12.

Conditions:
Retinitis pigmentosa (RP). Identifiers: Orphanet 791, MedGen C0035334, MeSH D012174, MONDO:0019200, OMIM 268000. Inheritance: Autosomal dominant, autosomal recessive and X linked inheritance.
Retinal dystrophy. Also called: Inherited retinal dystrophy. Identifiers: Orphanet 71862, MedGen C0854723, MeSH D058499, MONDO:0019118, HP:0000556.

Allele frequency attached by ClinVar (database versions not stated): TOPMed 0.00002; gnomAD exomes 0.00006; ExAC 0.00010; 1000 Genomes Project 30x 0.00016; 1000 Genomes Project 0.00020.
gnomAD v4.1: 90 of 1,614,216 alleles (0.0056%); highest among the groups gnomAD compares: East Asian, 0.12%; no homozygotes.

Submissions (4):

Blueprint Genetics
Classification: Uncertain significance. Last evaluated: 2024-01-12. Review status: criteria provided, single submitter. Criteria: ACMG Guidelines, 2015. Collection method: clinical testing. Allele origin: germline.

Dept Of Ophthalmology, Nagoya University
Classification: Likely benign for Retinal dystrophy. Last evaluated: 2023-10-01. Review status: criteria provided, single submitter. Criteria: Submitter's publication. Collection method: research. Allele origin: germline. Affected: yes.

Labcorp Genetics (formerly Invitae), Labcorp
Classification: Uncertain significance. Last evaluated: 2022-04-06. Review status: criteria provided, single submitter. Criteria: Invitae Variant Classification Sherloc (09022015). Collection method: clinical testing. Allele origin: germline.
Comment: This sequence change replaces threonine, which is neutral and polar, with methionine, which is neutral and non-polar, at codon 592 of the PCARE protein (p.Thr592Met). This variant is present in population databases (rs202166083, gnomAD 0.06%). This variant has not been reported in the literature in individuals affected with PCARE-related conditions. ClinVar contains an entry for this variant (Variation ID: 897959). Algorithms developed to predict the effect of missense changes on protein structure and function are either unavailable or do not agree on the potential impact of this missense change (SIFT: "Deleterious"; PolyPhen-2: "Benign"; Align-GVGD: "Class C15"). In summary, the available evidence is currently insufficient to determine the role of this variant in disease. Therefore, it has been classified as a Variant of Uncertain Significance.

Illumina Laboratory Services, Illumina
Classification: Uncertain significance for Retinitis pigmentosa. Last evaluated: 2018-01-13. Review status: criteria provided, single submitter. Criteria: ICSL Variant Classification Criteria 13 December 2019. Collection method: clinical testing. Allele origin: germline.